The following is an entry in ClinVar:

ClinVar aggregate classification (germline): Uncertain significance. Review status: criteria provided, multiple submitters, no conflicts (2 of 4 stars). 2 submissions from 2 submitters: Uncertain significance (2). Last evaluated 2026-01-23.

Conditions:
PGK1-related disorder. Also called: PGK1-related condition.

Submissions (2):

Labcorp Genetics (formerly Invitae), Labcorp
Classification: Uncertain significance. Last evaluated: 2026-01-23. Review status: criteria provided, single submitter. Criteria: Invitae Variant Classification Sherloc (09022015). Collection method: clinical testing. Allele origin: germline.
Comment: This sequence change replaces asparagine, which is neutral and polar, with isoleucine, which is neutral and non-polar, at codon 110 of the PGK1 protein (p.Asn110Ile). This variant is not present in population databases (gnomAD no frequency). This variant has not been reported in the literature in individuals affected with PGK1-related conditions. Invitae Evidence Modeling of protein sequence and biophysical properties (such as structural, functional, and spatial information, amino acid conservation, physicochemical variation, residue mobility, and thermodynamic stability) indicates that this missense variant is not expected to disrupt PGK1 protein function with a negative predictive value of 80%. In summary, the available evidence is currently insufficient to determine the role of this variant in disease. Therefore, it has been classified as a Variant of Uncertain Significance.

PreventionGenetics, part of Exact Sciences
Classification: Uncertain significance for PGK1-related condition. Last evaluated: 2025-11-04. Review status: criteria provided, single submitter. Criteria: ACMG Guidelines, 2015. Collection method: clinical testing. Allele origin: germline.
Comment: The PGK1 c.329A>T variant is predicted to result in the amino acid substitution p.Asn110Ile. To our knowledge, this variant has not been reported in the literature or in a large population database (gnomAD), indicating this variant is rare. At this time, the clinical significance of this variant is uncertain due to the absence of conclusive functional and genetic evidence.

NM_000291.4(PGK1):c.329A>T (p.Asn110Ile)

Gene: PGK1 (phosphoglycerate kinase 1; plus strand). Cytogenetic location: Xq21.1.
Variant type: single nucleotide variant.
Coding change: c.329A>T on transcript NM_000291.4 (MANE Select); coding-DNA position 329, A replaced by T.
Protein change: p.Asn110Ile; replaces asparagine 110 with isoleucine.
Molecular consequence: missense variant.
Genome position (GRCh38, 1-based): chrX:78,114,072, A>T. VCF-style: chrX-78114072-A-T. GRCh37 (hg19) VCF-style: chrX-77369569-A-T.
Other names: short protein forms N110I.
Identifiers: ClinVar variation 4780783 (VCV004780783.2).